The following is an entry in ClinVar:

ClinVar aggregate classification (germline): Uncertain significance (1 of 4 stars; one submission).

Submission:

Ambry Genetics
Classification: Uncertain significance. Last evaluated: 2024-03-27. Review status: criteria provided, single submitter. Criteria: Ambry Variant Classification Scheme 2023. Collection method: clinical testing. Allele origin: germline.
Comment: The p.C511Y variant (also known as c.1532G>A), located in coding exon 3 of the ALPK2 gene, results from a G to A substitution at nucleotide position 1532. The cysteine at codon 511 is replaced by tyrosine, an amino acid with highly dissimilar properties. This amino acid position is conserved. In addition, this alteration is predicted to be tolerated by in silico analysis. Since supporting evidence is limited at this time, the clinical significance of this alteration remains unclear.

NM_052947.4(ALPK2):c.1532G>A (p.Cys511Tyr)

Gene: ALPK2 (alpha kinase 2; minus strand). Cytogenetic location: 18q21.31.
Variant type: single nucleotide variant.
Coding change: c.1532G>A on transcript NM_052947.4 (MANE Select); coding-DNA position 1532, G replaced by A.
Protein change: p.Cys511Tyr; replaces cysteine 511 with tyrosine.
Molecular consequence: missense variant.
Genome position (GRCh38, 1-based): chr18:58,579,244, C>T on the plus strand (G>A on the coding strand, the complement: ALPK2 is on the minus strand). VCF-style: chr18-58579244-C-T. GRCh37 (hg19) VCF-style: chr18-56246476-C-T.
Other names: short protein forms C511Y.
Identifiers: ClinVar variation 1774656 (VCV001774656.2), dbSNP rs2518898880, ClinGen allele CA402562335.